The following is an entry in ClinVar:

ClinVar aggregate classification (germline): Conflicting classifications of pathogenicity. Review status: criteria provided, conflicting classifications (1 of 4 stars). 3 submissions from 3 submitters: Uncertain significance (2); Likely benign (1). Last evaluated 2026-09-01.

Conditions:
Idiopathic Pulmonary Fibrosis. Also called: Idiopathic fibrosing alveolitis, chronic form; idiopathic fibrosing alveolitis. Identifiers: Orphanet 2032, MedGen C1800706, MeSH D054990, MONDO:0800504.
Dyskeratosis congenita, autosomal dominant 2. Identifiers: MedGen C3151443, MONDO:0013521, OMIM 613989.
Dyskeratosis congenita. Identifiers: Orphanet 1775, MedGen C0265965, MONDO:0015780.

Allele frequency attached by ClinVar (database versions not stated): gnomAD 0.00001; TOPMed 0.00003.
gnomAD v4.1: 23 of 1,614,004 alleles (0.0014%); highest among the groups gnomAD compares: African/African-American, 0.008%; no homozygotes.

Submissions (3):

CeGaT Center for Human Genetics Tuebingen
Classification: Uncertain significance. Last evaluated: 2026-09-01. Review status: criteria provided, single submitter. Criteria: CeGaT Center For Human Genetics Tuebingen Variant Classification Criteria Version 2. Collection method: clinical testing. Allele origin: germline. Affected: yes. Observed: 1 variant allele.

Labcorp Genetics (formerly Invitae), Labcorp
Classification: Likely benign for Dyskeratosis congenita, autosomal dominant 2; Idiopathic Pulmonary Fibrosis. Last evaluated: 2025-12-01. Review status: criteria provided, single submitter. Criteria: Invitae Variant Classification Sherloc (09022015). Collection method: clinical testing. Allele origin: germline.

Ambry Genetics
Classification: Uncertain significance for Dyskeratosis congenita. Last evaluated: 2025-01-30. Review status: criteria provided, single submitter. Criteria: Ambry Variant Classification Scheme 2023. Collection method: clinical testing. Allele origin: germline.
Comment: The p.R646H variant (also known as c.1937G>A), located in coding exon 4 of the TERT gene, results from a G to A substitution at nucleotide position 1937. The arginine at codon 646 is replaced by histidine, an amino acid with highly similar properties. This amino acid position is conserved. In addition, this alteration is predicted to be tolerated by in silico analysis. Since supporting evidence is limited at this time, the clinical significance of this alteration remains unclear.

NM_198253.3(TERT):c.1937G>A (p.Arg646His)

Gene: TERT (telomerase reverse transcriptase; minus strand). Cytogenetic location: 5p15.33.
Variant type: single nucleotide variant.
Coding change: c.1937G>A on transcript NM_198253.3 (MANE Select); coding-DNA position 1937, G replaced by A.
Protein change: p.Arg646His; replaces arginine 646 with histidine.
Molecular consequence: missense variant. On other transcripts: non-coding transcript variant (2).
Genome position (GRCh38, 1-based): chr5:1,280,171, C>T on the plus strand (G>A on the coding strand, the complement: TERT is on the minus strand). VCF-style: chr5-1280171-C-T. GRCh37 (hg19) VCF-style: chr5-1280286-C-T.
Other names: c.1937G>A, p.Arg646His (NM_001193376.3); short protein forms R646H.
Identifiers: ClinVar variation 471838 (VCV000471838.13), dbSNP rs779338296, ClinGen allele CA359081026.